The following is an entry in ClinVar:

ClinVar aggregate classification (germline): Likely pathogenic. Review status: criteria provided, multiple submitters, no conflicts (2 of 4 stars). 2 submissions from 2 submitters: Likely pathogenic (2). Last evaluated 2025-02-25.

Conditions:
Hereditary cancer-predisposing syndrome. Also called: Hereditary Cancer Syndrome; Neoplastic Syndromes, Hereditary; Tumor predisposition; Hereditary neoplastic syndrome. Identifiers: Orphanet 140162, MedGen C0027672, MeSH D009386, MONDO:0015356.

Submissions (2):

Labcorp Genetics (formerly Invitae), Labcorp
Classification: Likely pathogenic. Last evaluated: 2025-02-25. Review status: criteria provided, single submitter. Criteria: Invitae Variant Classification Sherloc (09022015). Collection method: clinical testing. Allele origin: germline.
Comment: This sequence change replaces glycine, which is neutral and non-polar, with serine, which is neutral and polar, at codon 398 of the FH protein (p.Gly398Ser). This variant is not present in population databases (gnomAD no frequency). This missense change has been observed in individual(s) with clinical features of hereditary leiomyomatosis and renal cell cancer (internal data). ClinVar contains an entry for this variant (Variation ID: 1745312). Invitae Evidence Modeling of protein sequence and biophysical properties (such as structural, functional, and spatial information, amino acid conservation, physicochemical variation, residue mobility, and thermodynamic stability) indicates that this missense variant is expected to disrupt FH protein function with a positive predictive value of 95%. In summary, the currently available evidence indicates that the variant is pathogenic, but additional data are needed to prove that conclusively. Therefore, this variant has been classified as Likely Pathogenic.

Ambry Genetics
Classification: Likely pathogenic for Hereditary cancer-predisposing syndrome. Last evaluated: 2025-01-06. Review status: criteria provided, single submitter. Criteria: Ambry Variant Classification Scheme 2023. Collection method: clinical testing. Allele origin: germline.
Comment: The p.G398S variant (also known as c.1192G>A), located in coding exon 8 of the FH gene, results from a G to A substitution at nucleotide position 1192. The glycine at codon 398 is replaced by serine, an amino acid with similar properties. This alteration has been observed in individuals who have a personal and/or family history that is consistent with FH-associated disease (Ambry internal data; external communication). Based on internal structural assessment, this alteration results in disruption of the central domain (Ambry internal data; Ajalla Aleixo MA et al. FEBS J., 2019 05;286:1925-1940). This amino acid position is highly conserved in available vertebrate species. In addition, this alteration is predicted to be deleterious by in silico analysis. This variant is considered to be rare based on population cohorts in the Genome Aggregation Database (gnomAD). Based on the majority of available evidence to date, this variant is likely to be pathogenic.

Literature cited by the submitters: PubMed 30761759 (cited by Ambry Genetics).

NM_000143.4(FH):c.1192G>A (p.Gly398Ser)

Gene: FH (fumarate hydratase; minus strand). Cytogenetic location: 1q43.
Variant type: single nucleotide variant.
Coding change: c.1192G>A on transcript NM_000143.4 (MANE Select); coding-DNA position 1192, G replaced by A.
Protein change: p.Gly398Ser; replaces glycine 398 with serine.
Molecular consequence: missense variant.
Genome position (GRCh38, 1-based): chr1:241,502,487, C>T on the plus strand (G>A on the coding strand, the complement: FH is on the minus strand). VCF-style: chr1-241502487-C-T. GRCh37 (hg19) VCF-style: chr1-241665787-C-T.
Other names: short protein forms G398S.
Identifiers: ClinVar variation 1745312 (VCV001745312.5), dbSNP rs2147914878, ClinGen allele CA345437380.